The following is an entry in ClinVar:

ClinVar aggregate classification (germline): Uncertain significance (1 of 4 stars; one submission).

Conditions:
Congenital contractural arachnodactyly (CCA). Also called: BEALS SYNDROME; Beals-Hecht syndrome; Arthrogryposis, distal, type 9. Identifiers: Orphanet 115, MedGen C0220668, MONDO:0007363, OMIM 121050.

Allele frequency attached by ClinVar (database versions not stated): gnomAD exomes below 0.00001; TOPMed below 0.00001; gnomAD 0.00001.

Submission:

Labcorp Genetics (formerly Invitae), Labcorp
Classification: Uncertain significance for Congenital contractural arachnodactyly. Last evaluated: 2025-09-02. Review status: criteria provided, single submitter. Criteria: Invitae Variant Classification Sherloc (09022015). Collection method: clinical testing. Allele origin: germline.
Comment: This sequence change replaces proline, which is neutral and non-polar, with leucine, which is neutral and non-polar, at codon 193 of the FBN2 protein (p.Pro193Leu). This variant is not present in population databases (gnomAD no frequency). This variant has not been reported in the literature in individuals affected with FBN2-related conditions. ClinVar contains an entry for this variant (Variation ID: 2779511). Invitae Evidence Modeling of protein sequence and biophysical properties (such as structural, functional, and spatial information, amino acid conservation, physicochemical variation, residue mobility, and thermodynamic stability) indicates that this missense variant is not expected to disrupt FBN2 protein function with a negative predictive value of 80%. In summary, the available evidence is currently insufficient to determine the role of this variant in disease. Therefore, it has been classified as a Variant of Uncertain Significance.

NM_001999.4(FBN2):c.578C>T (p.Pro193Leu)

Gene: FBN2 (fibrillin 2; minus strand). Cytogenetic location: 5q23.3.
Variant type: single nucleotide variant.
Coding change: c.578C>T on transcript NM_001999.4 (MANE Select); coding-DNA position 578, C replaced by T.
Protein change: p.Pro193Leu; replaces proline 193 with leucine.
Molecular consequence: missense variant.
Genome position (GRCh38, 1-based): chr5:128,519,323, G>A on the plus strand (C>T on the coding strand, the complement: FBN2 is on the minus strand). VCF-style: chr5-128519323-G-A. GRCh37 (hg19) VCF-style: chr5-127855016-G-A.
Other names: short protein forms P193L.
Identifiers: ClinVar variation 2779511 (VCV002779511.3), dbSNP rs1342002733, ClinGen allele CA360755998.
Genomic context (GRCh38, chr5:128,519,323, plus strand): 5'-CTCTTCTTACCTCTTTCACACTGTGGACCAGTGAACCCATAAACACAAGCACAGCGGTTG[G>A]GTCCGATGCAACGTCCACCATTCTGACATCCATTTTCACAGACAGCTGCATACAAAAATA-3'
Protein context (NP_001990.2, residues 183-203): GCQNGGRCIG[Pro193Leu]NRCACVYGFT